The following is an entry in ClinVar:

NM_001111125.3(IQSEC2):c.343G>T (p.Gly115Cys)

Gene: IQSEC2 (IQ motif and Sec7 domain ArfGEF 2; minus strand). Cytogenetic location: Xp11.22.
Variant type: single nucleotide variant.
Coding change: c.343G>T on transcript NM_001111125.3 (MANE Select); coding-DNA position 343, G replaced by T.
Protein change: p.Gly115Cys; replaces glycine 115 with cysteine.
Molecular consequence: missense variant.
Genome position (GRCh38, 1-based): chrX:53,320,781, C>A on the plus strand (G>T on the coding strand, the complement: IQSEC2 is on the minus strand). VCF-style: chrX-53320781-C-A. GRCh37 (hg19) VCF-style: chrX-53349979-C-A.
Other names: short protein forms G115C.
Identifiers: ClinVar variation 471271 (VCV000471271.22), dbSNP rs781984542, ClinGen allele CA10420219.

ClinVar aggregate classification (germline): Benign/Likely benign. Review status: criteria provided, multiple submitters, no conflicts (2 of 4 stars). 4 submissions from 4 submitters: Benign (1); Likely benign (2). 1 of the submissions does not count toward it. Last evaluated 2026-01-28.

Conditions:
IQSEC2-related disorder. Also called: IQSEC2-related condition.
Intellectual developmental disorder, X-linked 1. Also called: MENTAL RETARDATION, X-LINKED 18; MENTAL RETARDATION, X-LINKED 78; Intellectual disability, X-linked 1; Atkin Flaitz Patil Smith syndrome. Identifiers: Orphanet 777, MedGen C2931498, MONDO:0010656, OMIM 309530.
Inborn genetic diseases. Identifiers: MedGen C0950123, MeSH D030342.

Allele frequency attached by ClinVar (database versions not stated): gnomAD exomes 0.00007 and 0.00006; ExAC 0.00028; gnomAD 0.00055 and 0.00062; TOPMed 0.00046.
gnomAD v4.1: 118 of 1,164,885 alleles (0.01%); highest among the groups gnomAD compares: African/African-American, 0.2%; no homozygotes.

Submissions (4):

Labcorp Genetics (formerly Invitae), Labcorp
Classification: Benign for Intellectual developmental disorder, X-linked 1. Last evaluated: 2026-01-28. Review status: criteria provided, single submitter. Criteria: Invitae Variant Classification Sherloc (09022015). Collection method: clinical testing. Allele origin: germline.

Ambry Genetics
Classification: Likely benign for Inborn genetic diseases. Last evaluated: 2024-12-10. Review status: criteria provided, single submitter. Criteria: Ambry Variant Classification Scheme 2023. Collection method: clinical testing. Allele origin: germline.

GeneDx
Classification: Likely benign. Last evaluated: 2021-03-08. Review status: criteria provided, single submitter. Criteria: GeneDx Variant Classification Process June 2021. Collection method: clinical testing. Allele origin: germline. Affected: yes.

PreventionGenetics, part of Exact Sciences
Classification: Likely benign for IQSEC2-related condition. Last evaluated: 2022-02-08. Review status: no assertion criteria provided. Collection method: clinical testing. Allele origin: germline. Not counted in ClinVar's aggregate classification.
Comment: This variant is classified as likely benign based on ACMG/AMP sequence variant interpretation guidelines (Richards et al. 2015 PMID: 25741868, with internal and published modifications).